The following is an entry in ClinVar:

NM_003906.5(MCM3AP):c.4648-10_4648-4del

Genes: MCM3AP (minichromosome maintenance complex component 3 associated protein; minus strand), MCM3AP-AS1 (MCM3AP antisense RNA 1; plus strand). Cytogenetic location: 21q22.3.
Variant type: Deletion.
Coding change: c.4648-10_4648-4del on transcript NM_003906.5 (MANE Select); 10 bases into the intron before coding-DNA position 4648 through 4 bases into the intron before coding-DNA position 4648, 7 bases deleted (TTCTTCT; older notation c.4648-10_4648-4delTTCTTCT).
Molecular consequence: intron variant.
Genome position (GRCh38, 1-based): chr21:46,245,201-46,245,207, AGAAGAA deleted on the plus strand (TTCTTCT on the coding strand, the reverse complement: MCM3AP is on the minus strand); deleting any 7 consecutive bases within chr21:46,245,201-46,245,213 gives the same sequence; the c. name uses the placement nearest the transcript's 3' end. VCF-style (leftmost placement, unchanged base first): chr21-46245200-GAGAAGAA-G. GRCh37 (hg19) VCF-style: chr21-47665114-GAGAAGAA-G.
Identifiers: ClinVar variation 1378038 (VCV001378038.7), dbSNP rs753614241, ClinGen allele CA10076049.
Genomic context (GRCh38, chr21:46,245,200, plus strand): 5'-AGCAGAGGTCAAGGGAATGGGGGCAGTGGGAAACCAGCCACTGCACTGCTTGCAAAACCT[GAGAAGAA>G]AGAAGAGACTTGGTTGAACAATTCACACTGTTTTTCAAAAACAGCTTTCTGAAAGGGCTT-3'

ClinVar aggregate classification (germline): Uncertain significance (1 of 4 stars; one submission).

Submission:

Labcorp Genetics (formerly Invitae), Labcorp
Classification: Uncertain significance. Last evaluated: 2023-12-30. Review status: criteria provided, single submitter. Criteria: Invitae Variant Classification Sherloc (09022015). Collection method: clinical testing. Allele origin: germline.
Comment: This sequence change falls in intron 22 of the MCM3AP gene. It does not directly change the encoded amino acid sequence of the MCM3AP protein. This variant is present in population databases (rs753614241, gnomAD 0.009%). This variant has not been reported in the literature in individuals affected with MCM3AP-related conditions. ClinVar contains an entry for this variant (Variation ID: 1378038). Algorithms developed to predict the effect of sequence changes on RNA splicing suggest that this variant may disrupt the consensus splice site. In summary, the available evidence is currently insufficient to determine the role of this variant in disease. Therefore, it has been classified as a Variant of Uncertain Significance.